The following is an entry in ClinVar:

NM_025103.4(IFT74):c.1261A>T (p.Met421Leu)

Gene: IFT74 (intraflagellar transport 74; plus strand). Cytogenetic location: 9p21.2.
Variant type: single nucleotide variant.
Coding change: c.1261A>T on transcript NM_025103.4 (MANE Select); coding-DNA position 1261, A replaced by T.
Protein change: p.Met421Leu; replaces methionine 421 with leucine.
Molecular consequence: missense variant.
Genome position (GRCh38, 1-based): chr9:27,048,202, A>T. VCF-style: chr9-27048202-A-T. GRCh37 (hg19) VCF-style: chr9-27048200-A-T.
Other names: c.1261A>T (NM_001099222.1, NM_025103.2); c.1261A>T, p.Met421Leu (NM_001099222.3, NM_001099223.3, NM_001349928.2); short protein forms M421L.
Identifiers: ClinVar variation 1449766 (VCV001449766.8), dbSNP rs768365827, ClinGen allele CA5015616.

ClinVar aggregate classification (germline): Uncertain significance. Review status: criteria provided, multiple submitters, no conflicts (2 of 4 stars). 3 submissions from 3 submitters: Uncertain significance (3). Last evaluated 2026-06-17.

Conditions:
Inborn genetic diseases. Identifiers: MedGen C0950123, MeSH D030342.
IFT74-related disorder. Also called: IFT74-related condition; IFT74-Related Disorders.

Allele frequency attached by ClinVar (database versions not stated): gnomAD 0.00001; gnomAD exomes 0.00002 and 0.00005; TOPMed 0.00003; ExAC 0.00004.
gnomAD v4.1: 15 of 1,602,690 alleles (0.00094%); highest among the groups gnomAD compares: Admixed American, 0.025%; no homozygotes.

Submissions (3):

PreventionGenetics, part of Exact Sciences
Classification: Uncertain significance for IFT74-related condition. Last evaluated: 2026-06-17. Review status: criteria provided, single submitter. Criteria: ACMG Guidelines, 2015. Collection method: clinical testing. Allele origin: germline.
Comment: The IFT74 c.1261A>T variant is predicted to result in the amino acid substitution p.Met421Leu. To our knowledge, this variant has not been reported in the literature. This variant is reported in 0.038% of alleles in individuals of Latino descent in gnomAD. At this time, the clinical significance of this variant is uncertain due to the absence of conclusive functional and genetic evidence.

Ambry Genetics
Classification: Uncertain significance for Inborn genetic diseases. Last evaluated: 2025-06-10. Review status: criteria provided, single submitter. Criteria: Ambry Variant Classification Scheme 2023. Collection method: clinical testing. Allele origin: germline.

Labcorp Genetics (formerly Invitae), Labcorp
Classification: Uncertain significance. Last evaluated: 2023-11-16. Review status: criteria provided, single submitter. Criteria: Invitae Variant Classification Sherloc (09022015). Collection method: clinical testing. Allele origin: germline.
Comment: This sequence change replaces methionine, which is neutral and non-polar, with leucine, which is neutral and non-polar, at codon 421 of the IFT74 protein (p.Met421Leu). This variant is present in population databases (rs768365827, gnomAD 0.04%). This variant has not been reported in the literature in individuals affected with IFT74-related conditions. ClinVar contains an entry for this variant (Variation ID: 1449766). An algorithm developed to predict the effect of missense changes on protein structure and function (PolyPhen-2) suggests that this variant¬†is likely to be tolerated. In summary, the available evidence is currently insufficient to determine the role of this variant in disease. Therefore, it has been classified as a Variant of Uncertain Significance.